The following is an entry in ClinVar:

ClinVar aggregate classification (germline): Uncertain significance (1 of 4 stars; one submission).

Submission:

GeneDx
Classification: Uncertain significance. Last evaluated: 2022-02-03. Review status: criteria provided, single submitter. Criteria: GeneDx Variant Classification Process June 2021. Collection method: clinical testing. Allele origin: germline. Affected: yes.
Comment: Not observed at significant frequency in large population cohorts (gnomAD); In silico analysis supports that this variant does not alter protein structure/function; Has not been previously published as pathogenic or benign to our knowledge; Variants in candidate genes are classified as variants of uncertain significance in accordance with ACMG guidelines (Richards et al., 2015)

NM_001394966.1(NEK10):c.1537_1538delinsGC (p.Leu513Ala)

Gene: NEK10 (NIMA related kinase 10; minus strand). Cytogenetic location: 3p24.1.
Variant type: Indel.
Coding change: c.1537_1538delinsGC on transcript NM_001394966.1 (MANE Select); coding-DNA positions 1537 to 1538, TT replaced by GC.
Protein change: p.Leu513Ala; replaces leucine 513 with alanine.
Molecular consequence: missense variant.
Genome position (GRCh38, 1-based): chr3:27,291,329-27,291,330, AA replaced by GC on the plus strand (TT replaced by GC on the coding strand, the reverse complement: NEK10 is on the minus strand). VCF-style: chr3-27291329-AA-GC. GRCh37 (hg19) VCF-style: chr3-27332820-AA-GC.
Other names: c.1537_1538delinsGC, p.Leu513Ala (NM_001394963.1, NM_001394965.1, NM_001394970.1 and 3 more transcripts); c.1450_1451delinsGC, p.Leu484Ala (NM_001394964.1, NM_001394967.1, NM_001394969.1); c.1558_1559delinsGC, p.Leu520Ala (NM_001394968.1); short protein forms L484A, L513A, L520A.
Identifiers: ClinVar variation 3252174 (VCV003252174.1), dbSNP rs2472243279.